The following is an entry in ClinVar:

ClinVar aggregate classification (germline): Uncertain significance (1 of 4 stars; one submission).

Conditions:
Rhabdoid tumor predisposition syndrome 2 (RTPS2). Identifiers: Orphanet 231108, Orphanet 69077, MedGen C2750074, MONDO:0013224, OMIM 613325.

Submission:

Labcorp Genetics (formerly Invitae), Labcorp
Classification: Uncertain significance for Rhabdoid tumor predisposition syndrome 2. Last evaluated: 2025-12-14. Review status: criteria provided, single submitter. Criteria: Invitae Variant Classification Sherloc (09022015). Collection method: clinical testing. Allele origin: germline.
Comment: This sequence change replaces glutamic acid, which is acidic and polar, with glutamine, which is neutral and polar, at codon 1433 of the SMARCA4 protein (p.Glu1433Gln). This variant is not present in population databases (gnomAD no frequency). This variant has not been reported in the literature in individuals affected with SMARCA4-related conditions. Invitae Evidence Modeling of protein sequence and biophysical properties (such as structural, functional, and spatial information, amino acid conservation, physicochemical variation, residue mobility, and thermodynamic stability) indicates that this missense variant is expected to disrupt SMARCA4 protein function with a positive predictive value of 80%. In summary, the available evidence is currently insufficient to determine the role of this variant in disease. Therefore, it has been classified as a Variant of Uncertain Significance.

NM_003072.5(SMARCA4):c.4201G>C (p.Glu1401Gln)

Gene: SMARCA4 (SWI/SNF related BAF chromatin remodeling complex subunit ATPase 4; plus strand). Cytogenetic location: 19p13.2.
Variant type: single nucleotide variant.
Coding change: c.4201G>C on transcript NM_003072.5 (MANE Select); coding-DNA position 4201, G replaced by C.
Protein change: p.Glu1401Gln; replaces glutamic acid 1401 with glutamine.
Molecular consequence: missense variant. On other transcripts: non-coding transcript variant (1).
Genome position (GRCh38, 1-based): chr19:11,041,337, G>C. VCF-style: chr19-11041337-G-C. GRCh37 (hg19) VCF-style: chr19-11152013-G-C.
Other names: c.4201G>C, p.Glu1401Gln (NM_001128844.3); c.4111G>C, p.Glu1371Gln (NM_001128845.2, NM_001128846.2); c.4102G>C, p.Glu1368Gln (NM_001128847.4, NM_001128848.2, NM_001374457.1); c.4297G>C, p.Glu1433Gln (NM_001128849.3, NM_001387283.1); c.4198G>C, p.Glu1400Gln (NM_001411150.1); short protein forms E1368Q, E1371Q, E1400Q, E1401Q, E1433Q.
Identifiers: ClinVar variation 4805881 (VCV004805881.1).